The following is an entry in ClinVar:

NM_033026.6(PCLO):c.6776C>G (p.Ala2259Gly)

Gene: PCLO (piccolo presynaptic cytomatrix protein; minus strand). Cytogenetic location: 7q21.11.
Variant type: single nucleotide variant.
Coding change: c.6776C>G on transcript NM_033026.6 (MANE Select); coding-DNA position 6776, C replaced by G.
Protein change: p.Ala2259Gly; replaces alanine 2259 with glycine.
Molecular consequence: missense variant.
Genome position (GRCh38, 1-based): chr7:82,954,177, G>C on the plus strand (C>G on the coding strand, the complement: PCLO is on the minus strand). VCF-style: chr7-82954177-G-C. GRCh37 (hg19) VCF-style: chr7-82583493-G-C.
Other names: c.6776C>G, p.Ala2259Gly (NM_014510.3); c.6776C>G (NM_033026.5); short protein forms A2259G.
Identifiers: ClinVar variation 1438493 (VCV001438493.6), dbSNP rs1795445397, ClinGen allele CA367918375.
Genomic context (GRCh38, chr7:82,954,177, plus strand): 5'-GGTACTACAGATTCTATGATAGAAGATGCCATATCAGATAAGGAAATAACAATATGATCA[G>C]CACTAGCTCTACCATCTGGTGGGGCAGTCCGATCTAAAGATACACTTATTTCTTCTGGAT-3'
Protein context (NP_149015.2, residues 2249-2269): RTAPPDGRAS[Ala2259Gly]DHIVISLSDM

ClinVar aggregate classification (germline): Uncertain significance. Review status: criteria provided, multiple submitters, no conflicts (2 of 4 stars). 2 submissions from 2 submitters: Uncertain significance (2). Last evaluated 2024-12-05.

Conditions:
Inborn genetic diseases. Identifiers: MedGen C0950123, MeSH D030342.

gnomAD v4.1: 2 of 1,613,496 alleles (0.00012%); highest among the groups gnomAD compares: Admixed American, 0.0017%; no homozygotes.

Submissions (2):

Ambry Genetics
Classification: Uncertain significance for Inborn genetic diseases. Last evaluated: 2024-12-05. Review status: criteria provided, single submitter. Criteria: Ambry Variant Classification Scheme 2023. Collection method: clinical testing. Allele origin: germline.

Labcorp Genetics (formerly Invitae), Labcorp
Classification: Uncertain significance. Last evaluated: 2021-08-26. Review status: criteria provided, single submitter. Criteria: Invitae Variant Classification Sherloc (09022015). Collection method: clinical testing. Allele origin: germline.
Comment: This sequence change replaces alanine with glycine at codon 2259 of the PCLO protein (p.Ala2259Gly). The alanine residue is weakly conserved and there is a small physicochemical difference between alanine and glycine. This variant is not present in population databases (ExAC no frequency). This variant has not been reported in the literature in individuals affected with PCLO-related conditions. Algorithms developed to predict the effect of missense changes on protein structure and function output the following: SIFT: "Tolerated"; PolyPhen-2: "Not Available"; Align-GVGD: "Class C0". The glycine amino acid residue is found in multiple mammalian species, which suggests that this missense change does not adversely affect protein function. In summary, the available evidence is currently insufficient to determine the role of this variant in disease. Therefore, it has been classified as a Variant of Uncertain Significance.